The following is an entry in ClinVar:

ClinVar aggregate classification (germline): Likely pathogenic. Review status: criteria provided, multiple submitters, no conflicts (2 of 4 stars). 3 submissions from 3 submitters: Likely pathogenic (3). Last evaluated 2025-11-21.

Conditions:
Mitochondrial complex II deficiency, nuclear type 1. Also called: SUCCINATE CoQ REDUCTASE DEFICIENCY. Identifiers: Orphanet 3208, MedGen C5700310, MONDO:0100294, OMIM 252011.
Pheochromocytoma/paraganglioma syndrome 5. Also called: Paragangliomas 5; SDHA-Related Hereditary Paraganglioma-Pheochromocytoma Syndrome. Identifiers: Orphanet 29072, MedGen C3279992, MONDO:0013602, OMIM 614165.
Hereditary cancer-predisposing syndrome. Also called: Hereditary Cancer Syndrome; Hereditary neoplastic syndrome; Neoplastic Syndromes, Hereditary; Tumor predisposition. Identifiers: Orphanet 140162, MedGen C0027672, MeSH D009386, MONDO:0015356.

Submissions (3):

Ambry Genetics
Classification: Likely pathogenic for Hereditary cancer-predisposing syndrome. Last evaluated: 2025-11-21. Review status: criteria provided, single submitter. Criteria: Ambry Variant Classification Scheme 2023. Collection method: clinical testing. Allele origin: germline.
Comment: The c.622-2A>T intronic variant results from an A to T substitution two nucleotides upstream from coding exon 6 in the SDHA gene. This variant was reported in individual(s) with features consistent with SDHA-related hereditary pheochromocytoma-paraganglioma (Ambry internal data). This variant is considered to be rare based on population cohorts in the Genome Aggregation Database (gnomAD). This nucleotide position is highly conserved in available vertebrate species. In silico splice site analysis predicts that this alteration will weaken the native splice acceptor site and will result in the creation or strengthening of a novel splice acceptor site. RNA studies have demonstrated that this alteration results in abnormal splicing in the set of samples tested (Ambry internal data). Alterations that disrupt the canonical splice site are expected to cause aberrant splicing, resulting in an abnormal protein or a transcript that is subject to nonsense-mediated mRNA decay. As such, this alteration is classified as likely pathogenic.

Myriad Genetics, Inc.
Classification: Likely pathogenic for Pheochromocytoma/paraganglioma syndrome 5. Last evaluated: 2024-11-04. Review status: criteria provided, single submitter. Criteria: Myriad Autosomal Dominant, Autosomal Recessive and X-Linked Classification Criteria (2023). Collection method: clinical testing. Allele origin: unknown.
Comment: This variant is considered likely pathogenic. This variant occurs within a consensus splice junction and is predicted to result in abnormal mRNA splicing of either an out-of-frame exon or an in-frame exon necessary for protein stability and/or normal function.

Labcorp Genetics (formerly Invitae), Labcorp
Classification: Likely pathogenic for Pheochromocytoma/paraganglioma syndrome 5; Mitochondrial complex II deficiency, nuclear type 1. Last evaluated: 2024-06-11. Review status: criteria provided, single submitter. Criteria: Invitae Variant Classification Sherloc (09022015). Collection method: clinical testing. Allele origin: germline.
Comment: This sequence change affects an acceptor splice site in intron 5 of the SDHA gene. It is expected to disrupt RNA splicing. Variants that disrupt the donor or acceptor splice site typically lead to a loss of protein function (PMID: 16199547), and loss-of-function variants in SDHA are known to be pathogenic (PMID: 22974104, 24781757). This variant is not present in population databases (gnomAD no frequency). This variant has not been reported in the literature in individuals affected with SDHA-related conditions. ClinVar contains an entry for this variant (Variation ID: 1752302). Algorithms developed to predict the effect of sequence changes on RNA splicing suggest that this variant may disrupt the consensus splice site. In summary, the currently available evidence indicates that the variant is pathogenic, but additional data are needed to prove that conclusively. Therefore, this variant has been classified as Likely Pathogenic.

Literature cited by the submitters: PubMed 16199547 (cited by Labcorp Genetics (formerly Invitae), Labcorp); PubMed 22974104 (cited by Labcorp Genetics (formerly Invitae), Labcorp); PubMed 24781757 (cited by Labcorp Genetics (formerly Invitae), Labcorp).

NM_004168.4(SDHA):c.622-2A>T

Gene: SDHA (succinate dehydrogenase complex flavoprotein subunit A; plus strand). Cytogenetic location: 5p15.33.
Variant type: single nucleotide variant.
Coding change: c.622-2A>T on transcript NM_004168.4 (MANE Select); the canonical splice acceptor site of the intron before coding-DNA position 622, A replaced by T.
Molecular consequence: splice acceptor variant.
Genome position (GRCh38, 1-based): chr5:228,183, A>T. VCF-style: chr5-228183-A-T. GRCh37 (hg19) VCF-style: chr5-228298-A-T.
Other names: c.478-2A>T (NM_001294332.2); c.622-2A>T (NM_001330758.2).
Identifiers: ClinVar variation 1752302 (VCV001752302.6), dbSNP rs1242620940, ClinGen allele CA359010777.